The following is an entry in ClinVar:

ClinVar aggregate classification (germline): Uncertain significance (1 of 4 stars; one submission).

Submission:

GeneDx
Classification: Uncertain significance. Last evaluated: 2019-11-04. Review status: criteria provided, single submitter. Criteria: GeneDx Variant Classification Process June 2021. Collection method: clinical testing. Allele origin: germline. Affected: yes.
Comment: Has not been previously published as pathogenic or benign to our knowledge; Not observed in large population cohorts (Lek et al., 2016); In silico analysis, which includes protein predictors and evolutionary conservation, supports that this variant does not alter protein structure/function

NM_000257.4(MYH7):c.3136A>C (p.Met1046Leu)

Gene: MYH7 (myosin heavy chain 7; minus strand). Cytogenetic location: 14q11.2.
Variant type: single nucleotide variant.
Coding change: c.3136A>C on transcript NM_000257.4 (MANE Select); coding-DNA position 3136, A replaced by C.
Protein change: p.Met1046Leu; replaces methionine 1046 with leucine.
Molecular consequence: missense variant.
Genome position (GRCh38, 1-based): chr14:23,422,289, T>G on the plus strand (A>C on the coding strand, the complement: MYH7 is on the minus strand). VCF-style: chr14-23422289-T-G. GRCh37 (hg19) VCF-style: chr14-23891498-T-G.
Other names: short protein forms M1046L.
Identifiers: ClinVar variation 1315927 (VCV001315927.2), dbSNP rs1566529310, ClinGen allele CA389045421.